The following is an entry in ClinVar:

ClinVar aggregate classification (germline): Uncertain significance (1 of 4 stars; one submission).

Conditions:
Centromeric instability of chromosomes 1,9 and 16 and immunodeficiency (ICF1). Also called: CENTROMERIC INSTABILITY, IMMUNODEFICIENCY SYNDROME; Immunodeficiency-centromeric instability-facial anomalies; IMMUNE DEFICIENCY, VARIABLE, WITH CENTROMERIC INSTABILITY OF CHROMOSOMES 1, 9, AND 16; IMMUNODEFICIENCY SYNDROME, VARIABLE. Identifiers: Orphanet 2268, MedGen C0398788, MONDO:0000133.

Submission:

Labcorp Genetics (formerly Invitae), Labcorp
Classification: Uncertain significance for Centromeric instability of chromosomes 1,9 and 16 and immunodeficiency. Last evaluated: 2022-08-19. Review status: criteria provided, single submitter. Criteria: Invitae Variant Classification Sherloc (09022015). Collection method: clinical testing. Allele origin: germline.
Comment: This sequence change falls in intron 12 of the DNMT3B gene. It does not directly change the encoded amino acid sequence of the DNMT3B protein. It affects a nucleotide within the consensus splice site. This variant is not present in population databases (gnomAD no frequency). This variant has not been reported in the literature in individuals affected with DNMT3B-related conditions. Variants that disrupt the consensus splice site are a relatively common cause of aberrant splicing (PMID: 17576681, 9536098). Algorithms developed to predict the effect of sequence changes on RNA splicing suggest that this variant is not likely to affect RNA splicing. In summary, the available evidence is currently insufficient to determine the role of this variant in disease. Therefore, it has been classified as a Variant of Uncertain Significance.

Literature cited by the submitters: PubMed 17576681; PubMed 9536098.

NM_006892.4(DNMT3B):c.1297+3A>G

Gene: DNMT3B (DNA methyltransferase 3 beta; plus strand). Cytogenetic location: 20q11.21.
Variant type: single nucleotide variant.
Coding change: c.1297+3A>G on transcript NM_006892.4 (MANE Select); 3 bases into the intron after coding-DNA position 1297, A replaced by G.
Molecular consequence: intron variant.
Genome position (GRCh38, 1-based): chr20:32,795,697, A>G. VCF-style: chr20-32795697-A-G. GRCh37 (hg19) VCF-style: chr20-31383503-A-G.
Other names: c.1237+3A>G (NM_175848.2, NM_175849.2); c.1111+3A>G (NM_001207055.2); c.1009+3A>G (NM_001207056.2); c.1273+3A>G (NM_175850.3).
Identifiers: ClinVar variation 2024865 (VCV002024865.1), dbSNP rs2515597052, ClinGen allele CA2580098075.
Genomic context (GRCh38, chr20:32,795,697, plus strand): 5'-CTTTTCTCAATAGAACAAATGGCTTCAGATGTTGCCAACAACAAGAGCAGCCTGGAAGGT[A>G]ACGTTCTCTCCCTCCCAGTCATCCCCCTCACACCCTGGCTAGGGCTCTAGGCCTGCCTTG-3'